The following is an entry in ClinVar:

ClinVar aggregate classification (germline): Conflicting classifications of pathogenicity. Review status: criteria provided, conflicting classifications (1 of 4 stars). 2 submissions from 2 submitters: Uncertain significance (1); Likely benign (1). Last evaluated 2025-01-08.

Conditions:
Hereditary cancer-predisposing syndrome. Also called: Hereditary Cancer Syndrome; Neoplastic Syndromes, Hereditary; Tumor predisposition; Hereditary neoplastic syndrome. Identifiers: Orphanet 140162, MedGen C0027672, MeSH D009386, MONDO:0015356.
Neuroblastoma, susceptibility to, 3. Also called: ALK-Related Neuroblastic Tumor Susceptibility. Identifiers: Orphanet 635, MedGen C2751681, MONDO:0013083, OMIM 613014.

Submissions (2):

Ambry Genetics
Classification: Likely benign for Hereditary cancer-predisposing syndrome. Last evaluated: 2025-01-08. Review status: criteria provided, single submitter. Criteria: Ambry Variant Classification Scheme 2023. Collection method: clinical testing. Allele origin: germline.

Labcorp Genetics (formerly Invitae), Labcorp
Classification: Uncertain significance for Neuroblastoma, susceptibility to, 3. Last evaluated: 2023-11-04. Review status: criteria provided, single submitter. Criteria: Invitae Variant Classification Sherloc (09022015). Collection method: clinical testing. Allele origin: germline.
Comment: This sequence change creates a premature translational stop signal (p.Cys928Alafs*11) in the ALK gene. It is expected to result in an absent or disrupted protein product. However, the current clinical and genetic evidence is not sufficient to establish whether loss-of-function variants in ALK cause disease. The frequency data for this variant in the population databases is considered unreliable, as metrics indicate poor data quality at this position in the gnomAD database. This variant has not been reported in the literature in individuals affected with ALK-related conditions. ClinVar contains an entry for this variant (Variation ID: 1347916). Experimental studies and prediction algorithms are not available or were not evaluated, and the functional significance of this variant is currently unknown. In summary, the available evidence is currently insufficient to determine the role of this variant in disease. Therefore, it has been classified as a Variant of Uncertain Significance.

NM_004304.5(ALK):c.2781del (p.Cys928fs)

Gene: ALK (ALK receptor tyrosine kinase; minus strand). Cytogenetic location: 2p23.2.
Variant type: Deletion.
Coding change: c.2781del on transcript NM_004304.5 (MANE Select); coding-DNA position 2781, one base deleted (G; older notation c.2781delG).
Protein change: p.Cys928fs; shifts the reading frame from cysteine 928.
Molecular consequence: frameshift variant.
Genome position (GRCh38, 1-based): chr2:29,228,918, C deleted on the plus strand (G on the coding strand, the reverse complement: ALK is on the minus strand); the first of 6 consecutive C bases (chr2:29,228,918-29,228,923); deleting any one gives the same sequence. VCF-style (leftmost placement, unchanged base first): chr2-29228917-AC-A. GRCh37 (hg19) VCF-style: chr2-29451783-AC-A.
Other names: c.2781delG (NM_004304.4); short protein forms C928fs.
Identifiers: ClinVar variation 1347916 (VCV001347916.7), dbSNP rs772809305, ClinGen allele CA1594199.
Genomic context (GRCh38, chr2:29,228,917, plus strand): 5'-GACACCTTGAACACGAATCATCTTTACCTATATATCCTCCGCCTCCTCCACCTGAGGAGC[AC>A]CCCCCTCCACCCCCTCCGAAACCCCCTCTTGTCTCCCACCCCCACTTCTTCATGGCCTGG-3'